The following is an entry in ClinVar:

NM_001127649.3(PEX26):c.*1957G>A

Gene: PEX26 (peroxisomal biogenesis factor 26; plus strand). Cytogenetic location: 22q11.21.
Variant type: single nucleotide variant.
Coding change: c.*1957G>A on transcript NM_001127649.3 (MANE Select); 1957 bases downstream of the stop codon, G replaced by A.
Molecular consequence: 3 prime UTR variant.
Genome position (GRCh38, 1-based): chr22:18,090,032, G>A. VCF-style: chr22-18090032-G-A. GRCh37 (hg19) VCF-style: chr22-18572798-G-A.
Other names: c.*1957G>A (NM_001199319.2, NM_017929.6).
Identifiers: ClinVar variation 340802 (VCV000340802.5), dbSNP rs11913772, ClinGen allele CA10645106.

ClinVar aggregate classification (germline): Benign (1 of 4 stars; one submission).

Conditions:
Peroxisome biogenesis disorder 7A (Zellweger). Also called: Peroxisome biogenesis disorder 7A. Identifiers: Orphanet 912, MedGen C3888385, MONDO:0013938, OMIM 614872.

Allele frequency attached by ClinVar (database versions not stated): gnomAD 0.01043 and 0.01094; TOPMed 0.01151; 1000 Genomes Project 30x 0.01437; 1000 Genomes Project 0.01458.

Submission:

Illumina Laboratory Services, Illumina
Classification: Benign for Peroxisome biogenesis disorder 7A (Zellweger). Last evaluated: 2018-01-12. Review status: criteria provided, single submitter. Criteria: ICSL Variant Classification Criteria 13 December 2019. Collection method: clinical testing. Allele origin: germline.
Comment: This variant was observed in the ICSL laboratory as part of a predisposition screen in an ostensibly healthy population. It had not been previously curated by ICSL or reported in the Human Gene Mutation Database (HGMD: prior to June 1st, 2018), and was therefore a candidate for classification through an automated scoring system. Utilizing variant allele frequency, disease prevalence and penetrance estimates, and inheritance mode, an automated score was calculated to assess if this variant is too frequent to cause the disease. Based on the score and internal cut-off values, a variant classified as benign is not then subjected to further curation. The score for this variant resulted in a classification of benign for this disease.